The following is an entry in ClinVar:

ClinVar aggregate classification (germline): Uncertain significance. Review status: criteria provided, multiple submitters, no conflicts (2 of 4 stars). 2 submissions from 2 submitters: Uncertain significance (2). Last evaluated 2023-06-25.

Conditions:
Alpha thalassemia-X-linked intellectual disability syndrome (ATRX). Also called: ALPHA-THALASSEMIA/MENTAL RETARDATION SYNDROME, X-LINKED; ATR, NONDELETION TYPE; ATR-X syndrome; Alpha thalassemia mental retardation syndrome, nondeletion type, X-linked; XLMR hypotonic face syndrome; X-linked alpha-thalassemia-mental retardation syndrome. Identifiers: Orphanet 847, MedGen C1845055, MONDO:0010519, OMIM 301040.
Inborn genetic diseases. Identifiers: MedGen C0950123, MeSH D030342.

Submissions (2):

Labcorp Genetics (formerly Invitae), Labcorp
Classification: Uncertain significance for Alpha thalassemia-X-linked intellectual disability syndrome. Last evaluated: 2023-06-25. Review status: criteria provided, single submitter. Criteria: Invitae Variant Classification Sherloc (09022015). Collection method: clinical testing. Allele origin: germline.
Comment: In summary, the available evidence is currently insufficient to determine the role of this variant in disease. Therefore, it has been classified as a Variant of Uncertain Significance. Advanced modeling of protein sequence and biophysical properties (such as structural, functional, and spatial information, amino acid conservation, physicochemical variation, residue mobility, and thermodynamic stability) performed at Invitae indicates that this missense variant is not expected to disrupt ATRX protein function. ClinVar contains an entry for this variant (Variation ID: 1005439). This variant has not been reported in the literature in individuals affected with ATRX-related conditions. This variant is not present in population databases (gnomAD no frequency). This sequence change replaces aspartic acid, which is acidic and polar, with histidine, which is basic and polar, at codon 774 of the ATRX protein (p.Asp774His).

Ambry Genetics
Classification: Uncertain significance for Inborn genetic diseases. Last evaluated: 2022-02-11. Review status: criteria provided, single submitter. Criteria: Ambry Variant Classification Scheme 2023. Collection method: clinical testing. Allele origin: germline.

NM_000489.6(ATRX):c.2320G>C (p.Asp774His)

Gene: ATRX (ATRX chromatin remodeler; minus strand). Cytogenetic location: Xq21.1.
Variant type: single nucleotide variant.
Coding change: c.2320G>C on transcript NM_000489.6 (MANE Select); coding-DNA position 2320, G replaced by C.
Protein change: p.Asp774His; replaces aspartic acid 774 with histidine.
Molecular consequence: missense variant.
Genome position (GRCh38, 1-based): chrX:77,682,936, C>G on the plus strand (G>C on the coding strand, the complement: ATRX is on the minus strand). VCF-style: chrX-77682936-C-G. GRCh37 (hg19) VCF-style: chrX-76938428-C-G.
Other names: c.2320G>C (NM_000489.3); c.2206G>C, p.Asp736His (NM_138270.5); short protein forms D736H, D774H.
Identifiers: ClinVar variation 1005439 (VCV001005439.7), dbSNP rs1557139871, ClinGen allele CA413712683.